The following is an entry in ClinVar:

NM_001369.3(DNAH5):c.4391_4392insCCACAAGGTTTAAT (p.Gln1464delinsHisHisLysValTer)

Genes: DNAH5 (dynein axonemal heavy chain 5; minus strand), DNAH5-AS1 (DNAH5 antisense RNA 1; plus strand). Cytogenetic location: 5p15.2.
Variant type: Insertion.
Coding change: c.4391_4392insCCACAAGGTTTAAT on transcript NM_001369.3 (MANE Select); coding-DNA positions 4391 to 4392, CCACAAGGTTTAAT inserted.
Protein change: p.Gln1464delinsHisHisLysValTer.
Molecular consequence: nonsense.
Genome position: GRCh38 VCF-style: chr5-13864601-C-CATTAAACCTTGTGG. GRCh37 (hg19) VCF-style: chr5-13864710-C-CATTAAACCTTGTGG.
Identifiers: ClinVar variation 5010482 (VCV005010482.1).

ClinVar aggregate classification (germline): Pathogenic (1 of 4 stars; one submission).

Conditions:
Primary ciliary dyskinesia 3. Identifiers: Orphanet 244, MedGen C1837618, MONDO:0012085, OMIM 608644.

Submission:

Myriad Genetics, Inc.
Classification: Pathogenic for Primary ciliary dyskinesia 3. Last evaluated: 2024-05-14. Review status: criteria provided, single submitter. Criteria: Myriad Autosomal Dominant, Autosomal Recessive and X-Linked Classification Criteria (2023). Collection method: clinical testing. Allele origin: unknown.
Comment: NM_001369.2(DNAH5):c.4391_4392ins14(Q1464Hfs*5) is expected to be pathogenic in the context of primary ciliary dyskinesia, DNAH5-related. This variant is predicted to lead to an abnormal or absent protein product due to the creation of a premature termination codon in DNAH5, a gene where loss-of-function variants are known to be pathogenic. Please note: this variant was assessed in the context of healthy population screening.